The following is an entry in ClinVar:

NM_003239.5(TGFB3):c.996G>A (p.Trp332Ter)

Gene: TGFB3 (transforming growth factor beta 3; minus strand). Cytogenetic location: 14q24.3.
Variant type: single nucleotide variant.
Coding change: c.996G>A on transcript NM_003239.5 (MANE Select); coding-DNA position 996, G replaced by A.
Protein change: p.Trp332Ter; replaces tryptophan 332 with a stop codon.
Molecular consequence: nonsense.
Genome position (GRCh38, 1-based): chr14:75,961,007, C>T on the plus strand (G>A on the coding strand, the complement: TGFB3 is on the minus strand). VCF-style: chr14-75961007-C-T. GRCh37 (hg19) VCF-style: chr14-76427350-C-T.
Other names: c.996G>A, p.Trp332Ter (NM_001329939.2); short protein forms W332*.
Identifiers: ClinVar variation 1369504 (VCV001369504.6), dbSNP rs2140236210, ClinGen allele CA390467951.

ClinVar aggregate classification (germline): Pathogenic (1 of 4 stars; one submission).

Conditions:
Rienhoff syndrome. Also called: LOEYS-DIETZ SYNDROME 5. Identifiers: MedGen C3810012, MONDO:0014262, OMIM 615582.

Submission:

Labcorp Genetics (formerly Invitae), Labcorp
Classification: Pathogenic for Rienhoff syndrome. Last evaluated: 2021-05-08. Review status: criteria provided, single submitter. Criteria: Invitae Variant Classification Sherloc (09022015). Collection method: clinical testing. Allele origin: germline.
Comment: For these reasons, this variant has been classified as Pathogenic. Algorithms developed to predict the effect of sequence changes on RNA splicing suggest that this variant may create or strengthen a splice site, but this prediction has not been confirmed by published transcriptional studies. This variant has not been reported in the literature in individuals with TGFB3-related conditions. This variant is not present in population databases (ExAC no frequency). This sequence change creates a premature translational stop signal (p.Trp332*) in the TGFB3 gene. It is expected to result in an absent or disrupted protein product. Loss-of-function variants in TGFB3 are known to be pathogenic (PMID: 25835445, 26188975).

Literature cited by the submitters: PubMed 25835445; PubMed 26188975.